The following is an entry in ClinVar:

NM_000066.4(C8B):c.871G>A (p.Val291Ile)

Gene: C8B (complement C8 beta chain; minus strand). Cytogenetic location: 1p32.2.
Variant type: single nucleotide variant.
Coding change: c.871G>A on transcript NM_000066.4 (MANE Select); coding-DNA position 871, G replaced by A.
Protein change: p.Val291Ile; replaces valine 291 with isoleucine.
Molecular consequence: missense variant.
Genome position (GRCh38, 1-based): chr1:56,946,055, C>T on the plus strand (G>A on the coding strand, the complement: C8B is on the minus strand). VCF-style: chr1-56946055-C-T. GRCh37 (hg19) VCF-style: chr1-57411728-C-T.
Other names: c.715G>A, p.Val239Ile (NM_001278543.2); c.685G>A, p.Val229Ile (NM_001278544.2); short protein forms V229I, V291I, V239I.
Identifiers: ClinVar variation 1962887 (VCV001962887.5), dbSNP rs548087620, ClinGen allele CA875820.

ClinVar aggregate classification (germline): Uncertain significance (1 of 4 stars; one submission).

Allele frequency attached by ClinVar (database versions not stated): gnomAD 0.00001; ExAC 0.00006; 1000 Genomes Project 30x 0.00016; 1000 Genomes Project 0.00020.
gnomAD v4.1: 14 of 1,614,098 alleles (0.00087%); highest among the groups gnomAD compares: Admixed American, 0.0083%; no homozygotes.

Submission:

Labcorp Genetics (formerly Invitae), Labcorp
Classification: Uncertain significance. Last evaluated: 2022-06-08. Review status: criteria provided, single submitter. Criteria: Invitae Variant Classification Sherloc (09022015). Collection method: clinical testing. Allele origin: germline.
Comment: In summary, the available evidence is currently insufficient to determine the role of this variant in disease. Therefore, it has been classified as a Variant of Uncertain Significance. Algorithms developed to predict the effect of missense changes on protein structure and function (SIFT, PolyPhen-2, Align-GVGD) all suggest that this variant is likely to be tolerated. This variant has not been reported in the literature in individuals affected with C8B-related conditions. This variant is present in population databases (rs548087620, gnomAD 0.01%). This sequence change replaces valine, which is neutral and non-polar, with isoleucine, which is neutral and non-polar, at codon 291 of the C8B protein (p.Val291Ile).